The following is an entry in ClinVar:

NM_014946.4(SPAST):c.1601T>C (p.Leu534Pro)

Gene: SPAST (spastin; plus strand). Cytogenetic location: 2p22.3.
Variant type: single nucleotide variant.
Coding change: c.1601T>C on transcript NM_014946.4 (MANE Select); coding-DNA position 1601, T replaced by C.
Protein change: p.Leu534Pro; replaces leucine 534 with proline.
Molecular consequence: missense variant.
Genome position (GRCh38, 1-based): chr2:32,143,400, T>C. VCF-style: chr2-32143400-T-C. GRCh37 (hg19) VCF-style: chr2-32368469-T-C.
Other names: c.1598T>C, p.Leu533Pro (NM_001363823.2); c.1502T>C, p.Leu501Pro (NM_001363875.2); c.1505T>C, p.Leu502Pro (NM_001377959.1, NM_199436.2); short protein forms L534P, L501P, L502P, L533P.
Identifiers: ClinVar variation 849154 (VCV000849154.9), dbSNP rs1553319317, ClinGen allele CA346503834.

ClinVar aggregate classification (germline): Pathogenic (1 of 4 stars; one submission).

Conditions:
Hereditary spastic paraplegia 4. Also called: Spastic Paraplegia 4; Familial spastic paraplegia autosomal dominant 2; Spastic paraplegia 4, autosomal dominant. Identifiers: Orphanet 100985, MedGen C1866855, MONDO:0008438, OMIM 182601.

Allele frequency attached by ClinVar (database versions not stated): gnomAD exomes below 0.00001.
gnomAD v4.1: 1 of 1,604,824 alleles (0.000062%); highest among the groups gnomAD compares: Non-Finnish European, 0.000085%; no homozygotes.

Submission:

Labcorp Genetics (formerly Invitae), Labcorp
Classification: Pathogenic for Hereditary spastic paraplegia 4. Last evaluated: 2020-01-06. Review status: criteria provided, single submitter. Criteria: Invitae Variant Classification Sherloc (09022015). Collection method: clinical testing. Allele origin: germline.
Comment: This variant is not present in population databases (ExAC no frequency). This sequence change replaces leucine with proline at codon 534 of the SPAST protein (p.Leu534Pro). The leucine residue is highly conserved and there is a moderate physicochemical difference between leucine and proline. For these reasons, this variant has been classified as Pathogenic. Advanced modeling of protein sequence and biophysical properties (such as structural, functional, and spatial information, amino acid conservation, physicochemical variation, residue mobility, and thermodynamic stability) performed at Invitae indicates that this missense variant is expected to disrupt SPAST protein function. This variant has been observed in individual(s) with hereditary spastic paraplegia (PMID: 12939659, 19875132, Invitae).

Literature cited by the submitters: PubMed 12939659; PubMed 19875132.